The following is an entry in ClinVar:

ClinVar aggregate classification (germline): Pathogenic (1 of 4 stars; one submission).

Submission:

GeneDx
Classification: Pathogenic. Last evaluated: 2019-08-24. Review status: criteria provided, single submitter. Criteria: GeneDx Variant Classification Process June 2021. Collection method: clinical testing. Allele origin: germline. Affected: yes.
Comment: Has not been previously published as pathogenic or benign to our knowledge; Frameshift variant predicted to result in protein truncation or nonsense mediated decay in a gene for which loss-of-function is a known mechanism of disease; Not observed in large population cohorts (Lek et al., 2016)

NM_005676.5(RBM10):c.2565dup (p.Leu856fs)

Gene: RBM10 (RNA binding motif protein 10; plus strand). Cytogenetic location: Xp11.3.
Variant type: Duplication.
Coding change: c.2565dup on transcript NM_005676.5 (MANE Select); coding-DNA position 2565, one base duplicated (G; older notation c.2565dupG).
Protein change: p.Leu856fs; shifts the reading frame from leucine 856.
Molecular consequence: frameshift variant.
Genome position (GRCh38, 1-based): chrX:47,186,285, G duplicated; the last of 3 consecutive G bases (chrX:47,186,283-47,186,285); duplicating any one gives the same sequence. VCF-style (leftmost placement, unchanged base first): chrX-47186282-C-CG. GRCh37 (hg19) VCF-style: chrX-47045681-C-CG.
Other names: c.2334dup, p.Leu779fs (NM_001204466.2); c.2562dup, p.Leu855fs (NM_001204467.2); c.2760dup, p.Leu921fs (NM_001204468.2); c.2331dup, p.Leu778fs (NM_152856.3); short protein forms L778fs, L779fs, L855fs, L856fs, L921fs.
Identifiers: ClinVar variation 1219405 (VCV001219405.3), dbSNP rs2147225679, ClinGen allele CA2499226733.